The following is an entry in ClinVar:

ClinVar aggregate classification (germline): Benign/Likely benign. Review status: criteria provided, multiple submitters, no conflicts (2 of 4 stars). 13 submissions from 13 submitters: Benign (6); Likely benign (5). 2 of the submissions do not count toward it. Last evaluated 2026-07-01.

Conditions:
PKD2-related disorder. Also called: PKD2-related condition.
Autosomal dominant polycystic kidney disease. Identifiers: Orphanet 730, MedGen C0085413, MONDO:0004691.
Polycystic kidney disease 2 (PKD2). Also called: Polycystic Kidney Disease 2, Autosomal Dominant; POLYCYSTIC KIDNEY DISEASE, ADULT, TYPE II; POLYCYSTIC KIDNEY DISEASE 2 WITH OR WITHOUT POLYCYSTIC LIVER DISEASE. Identifiers: MedGen C2751306, MONDO:0013131, OMIM 613095.

Submissions (13):

CeGaT Center for Human Genetics Tuebingen
Classification: Likely benign. Last evaluated: 2026-07-01. Review status: criteria provided, single submitter. Criteria: CeGaT Center For Human Genetics Tuebingen Variant Classification Criteria Version 2. Collection method: clinical testing. Allele origin: germline. Affected: yes. Observed: 3 variant alleles.
Comment: PKD2: BS1

Labcorp Genetics (formerly Invitae), Labcorp
Classification: Benign for Autosomal dominant polycystic kidney disease. Last evaluated: 2026-01-26. Review status: criteria provided, single submitter. Criteria: Invitae Variant Classification Sherloc (09022015). Collection method: clinical testing. Allele origin: germline.

Women's Health and Genetics/Laboratory Corporation of America, LabCorp
Classification: Likely benign. Last evaluated: 2025-03-27. Review status: criteria provided, single submitter. Criteria: LabCorp Variant Classification Summary - May 2015. Collection method: clinical testing. Allele origin: germline.

Blueprint Genetics
Classification: Likely benign. Last evaluated: 2024-11-22. Review status: criteria provided, single submitter. Criteria: ACMG Guidelines, 2015. Collection method: clinical testing. Allele origin: germline.

Mayo Clinic Laboratories, Mayo Clinic
Classification: Benign. Last evaluated: 2023-09-18. Review status: criteria provided, single submitter. Criteria: ACMG Guidelines, 2015. Collection method: clinical testing. Allele origin: germline. Observed: 4 variant alleles.
Comment: BS1, BS2, BP3

Fulgent Genetics
Classification: Likely benign for Polycystic kidney disease 2. Last evaluated: 2022-04-21. Review status: criteria provided, single submitter. Criteria: ACMG Guidelines, 2015. Collection method: clinical testing. Allele origin: unknown.

GeneDx
Classification: Benign. Last evaluated: 2020-10-02. Review status: criteria provided, single submitter. Criteria: GeneDx Variant Classification Process June 2021. Collection method: clinical testing. Allele origin: germline. Affected: yes.
Comment: This variant is associated with the following publications: (PMID: 20950398, 17574468, 22863349, 21719175, 22508176)

Mendelics
Classification: Benign for Polycystic kidney disease 2. Last evaluated: 2019-05-28. Review status: criteria provided, single submitter. Criteria: Mendelics Assertion Criteria 2017. Collection method: clinical testing. Allele origin: unknown.

Genetic Services Laboratory, University of Chicago
Classification: Benign. Last evaluated: 2017-11-09. Review status: criteria provided, single submitter. Criteria: ACMG Guidelines, 2015. Collection method: clinical testing. Allele origin: germline. Affected: no.

Athena Diagnostics
Classification: Benign. Last evaluated: 2017-04-26. Review status: criteria provided, single submitter. Criteria: Athena Diagnostics Criteria. Collection method: clinical testing. Allele origin: germline.

Eurofins Ntd Llc (ga)
Classification: Likely benign. Last evaluated: 2014-07-15. Review status: criteria provided, single submitter. Criteria: EGL Classification Definitions. Collection method: clinical testing. Allele origin: germline. Observed: 4 variant alleles, 4 heterozygotes.

PreventionGenetics, part of Exact Sciences
Classification: Benign for PKD2-related condition. Last evaluated: 2019-10-30. Review status: no assertion criteria provided. Collection method: clinical testing. Allele origin: germline. Not counted in ClinVar's aggregate classification.
Comment: This variant is classified as benign based on ACMG/AMP sequence variant interpretation guidelines (Richards et al. 2015 PMID: 25741868, with internal and published modifications).

Department of Pathology and Laboratory Medicine, Sinai Health System
Classification: Likely benign. Review status: no assertion criteria provided. Collection method: clinical testing. Allele origin: unknown. Affected: yes. Observed: 2 variant alleles. Study: The Canadian Open Genetics Repository (COGR). Not counted in ClinVar's aggregate classification.
Comment: The PKD2 p.Glu102dup variant was identified in 2 of 1564 proband chromosomes (frequency: 0.001) from French, British, and North America individuals or families with ADPKD (Audrezet 2012, Garcia-Gonzalez 2007). There is conflicting evidence in the literature and databases. The variant was identified in dbSNP (ID: rs547253972) as â€šÃ„ÃºNAâ€šÃ„Ã¹, Clinvitae database (classification likely benign and benign), the ClinVar database (classification benign by Invitae and likely benign by Emory Genetics), the ADPKD Mutation Database (classification indeterminate), and COSMIC (1X in a lung carcinoma). This variant was also identified in the 1000 Genomes Project in 37 of 5000 chromosomes (frequency: 0.0074), HAPMAP-AFR in 32 of 1322 chromosomes (frequency: 0.0242), HAPMAP-AMR in 3 of 694 chromosomes (frequency: 0.0043), HAPMAP-EUR in 2 of 1006 chromosomes (frequency: 0.002), and in the Exome Aggregation Consortium database (August 8th 2016) in 928 of 11372 chromosomes (freq. 0.0816) in the following populations: South Asian in 662 of 7216 chromosomes (freq. 0.09), European (Non-Finnish) in 229 of 3242 chromosomes (freq. 0.07), Other in 8 of 128 chromosomes (freq. 0.06), Latino in 8 of 164 chromosomes (freq. 0.05), African in 16 of 442 chromosomes (freq. 0.04), East Asian in 5 of 172 chromosomes (freq. 0.02) but was not seen in the Finnish populations. This high frequency of observations in a control database strongly suggests that the variant is not clinically significant. The variant occurs outside of the splicing consensus sequence and in silico or computational prediction software programs (SpliceSiteFinder, MaxEntScan, NNSPLICE, GeneSplicer, HumanSpliceFinder) do not predict a difference in splicing. This variant is an in-frame duplication resulting in the addition of a Glutamic acid residue at codon 102; the impact of this alteration on PKD2 protein function is not known. In summary, based on the above information, the clinical significance of this variant cannot be determined with certainty at this time although we would lean towards a more benign role for this variant. This variant is classified as likely benign.

Literature cited by the submitters: PubMed 21719175 (cited by Mayo Clinic Laboratories, Mayo Clinic and Athena Diagnostics); PubMed 22863349 (cited by Mayo Clinic Laboratories, Mayo Clinic and Athena Diagnostics); PubMed 20950398 (cited by Athena Diagnostics); PubMed 17574468 (cited by Athena Diagnostics).

NM_000297.4(PKD2):c.290AGG[7] (p.Glu102dup)

Genes: PKD2 (polycystin 2, transient receptor potential cation channel; plus strand), LOC129992813 (ATAC-STARR-seq lymphoblastoid silent region 15559; plus strand). Cytogenetic location: 4q22.1.
Variant type: Microsatellite.
Coding change: c.290AGG[7] on transcript NM_000297.4 (MANE Select); seven copies in a row of the 3-base unit AGG starting at c.290; the reference has six copies in a row; one copy, 3 bases duplicated; also written c.305_307dup.
Protein change: p.Glu102dup; duplicates glutamic acid 102.
Molecular consequence: inframe insertion. On other transcripts: non-coding transcript variant (1).
Genome position (GRCh38, 1-based): chr4:88,008,038-88,008,040, AGG duplicated; duplicating any 3 consecutive bases within chr4:88,008,022-88,008,040 gives the same sequence; the position shown is the placement nearest the transcript's 3' end. VCF-style (leftmost placement, unchanged base first): chr4-88008021-C-CGAG. GRCh37 (hg19) VCF-style: chr4-88929173-C-CGAG.
Other names: p.Glu102dup; c.305_307dup (NM_000297.4, NM_000297.3); c.305_307dupAGG (NM_000297.4).
Identifiers: ClinVar variation 193079 (VCV000193079.54), dbSNP rs750077647, ClinGen allele CA200302.